The following is an entry in ClinVar:

NM_005235.3(ERBB4):c.1699C>T (p.Leu567Phe)

Gene: ERBB4 (erb-b2 receptor tyrosine kinase 4; minus strand). Cytogenetic location: 2q34.
Variant type: single nucleotide variant.
Coding change: c.1699C>T on transcript NM_005235.3 (MANE Select); coding-DNA position 1699, C replaced by T.
Protein change: p.Leu567Phe; replaces leucine 567 with phenylalanine.
Molecular consequence: missense variant.
Genome position (GRCh38, 1-based): chr2:211,673,181, G>A on the plus strand (C>T on the coding strand, the complement: ERBB4 is on the minus strand). VCF-style: chr2-211673181-G-A. GRCh37 (hg19) VCF-style: chr2-212537906-G-A.
Other names: c.1699C>T, p.Leu567Phe (NM_001042599.2); short protein forms L567F.
Identifiers: ClinVar variation 2903211 (VCV002903211.3), dbSNP rs777951183, ClinGen allele CA2088052.

ClinVar aggregate classification (germline): Uncertain significance (1 of 4 stars; one submission).

Allele frequency attached by ClinVar (database versions not stated): gnomAD 0.00001; ExAC 0.00002; gnomAD exomes 0.00002; TOPMed 0.00002.
gnomAD v4.1: 32 of 1,612,726 alleles (0.002%); highest among the groups gnomAD compares: Non-Finnish European, 0.0025%; no homozygotes.

Submission:

Labcorp Genetics (formerly Invitae), Labcorp
Classification: Uncertain significance. Last evaluated: 2023-03-13. Review status: criteria provided, single submitter. Criteria: Invitae Variant Classification Sherloc (09022015). Collection method: clinical testing. Allele origin: germline.
Comment: This sequence change replaces leucine, which is neutral and non-polar, with phenylalanine, which is neutral and non-polar, at codon 567 of the ERBB4 protein (p.Leu567Phe). This variant is present in population databases (rs777951183, gnomAD 0.003%). In summary, the available evidence is currently insufficient to determine the role of this variant in disease. Therefore, it has been classified as a Variant of Uncertain Significance. Advanced modeling of protein sequence and biophysical properties (such as structural, functional, and spatial information, amino acid conservation, physicochemical variation, residue mobility, and thermodynamic stability) performed at Invitae indicates that this missense variant is not expected to disrupt ERBB4 protein function. This variant has not been reported in the literature in individuals affected with ERBB4-related conditions.